The following is an entry in ClinVar:

ClinVar aggregate classification (germline): Benign/Likely benign. Review status: criteria provided, multiple submitters, no conflicts (2 of 4 stars). 6 submissions from 6 submitters: Benign (1); Likely benign (5). Last evaluated 2026-01-26.

Conditions:
Cardiovascular phenotype. Identifiers: MedGen CN230736.
Arrhythmogenic right ventricular dysplasia 10. Also called: Arrhythmogenic Right Ventricular Dysplasia/Cardiomyopathy10; ARRHYTHMOGENIC RIGHT VENTRICULAR DYSPLASIA, FAMILIAL, 10; Arrhythmogenic right ventricular dysplasia/cardiomyopathy, type 10. Identifiers: MedGen C1857777, MONDO:0012434, OMIM 610193.
Cardiomyopathy (CMYO). Also called: Cardiomyopathies. Identifiers: Orphanet 167848, MedGen C0878544, MONDO:0004994, HP:0001638. Inheritance: Various modes of inheritance.

Allele frequency attached by ClinVar (database versions not stated): gnomAD 0.00003; gnomAD exomes 0.00010 and 0.00020; 1000 Genomes Project 30x 0.00016; TOPMed 0.00017; ExAC 0.00019; 1000 Genomes Project 0.00020.
gnomAD v4.1: 66 of 1,613,096 alleles (0.0041%); highest among the groups gnomAD compares: Admixed American, 0.11%; no homozygotes.

Submissions (6):

Labcorp Genetics (formerly Invitae), Labcorp
Classification: Likely benign for Arrhythmogenic right ventricular dysplasia 10. Last evaluated: 2026-01-26. Review status: criteria provided, single submitter. Criteria: Invitae Variant Classification Sherloc (09022015). Collection method: clinical testing. Allele origin: germline.

Women's Health and Genetics/Laboratory Corporation of America, LabCorp
Classification: Likely benign. Last evaluated: 2025-07-09. Review status: criteria provided, single submitter. Criteria: LabCorp Variant Classification Summary - May 2015. Collection method: clinical testing. Allele origin: germline.
Comment: Variant summary: DSG2 c.55A>G (p.Asn19Asp) results in a conservative amino acid change in the encoded protein sequence. Algorithms developed to predict the effect of missense changes on protein structure and function all suggest that this variant is likely to be tolerated. The variant allele was found at a frequency of 0.0002 in 249384 control chromosomes, predominantly at a frequency of 0.0014 within the Latino subpopulation in the gnomAD database. The observed variant frequency within Latino control individuals in the gnomAD database is approximately 6 fold of the estimated maximal expected allele frequency for a pathogenic variant in DSG2 causing Arrhythmogenic Right Ventricular Dysplasia/Cardiomyopathy phenotype (0.00025). To our knowledge, no occurrence of c.55A>G in individuals affected with Arrhythmogenic Right Ventricular Dysplasia/Cardiomyopathy and no experimental evidence demonstrating its impact on protein function have been reported. ClinVar contains an entry for this variant (Variation ID: 511964). Based on the evidence outlined above, the variant was classified as likely benign.

Color Diagnostics, LLC DBA Color Health
Classification: Benign for Cardiomyopathy. Last evaluated: 2024-08-27. Review status: criteria provided, single submitter. Criteria: ACMG Guidelines, 2015. Collection method: clinical testing. Allele origin: germline.

Ambry Genetics
Classification: Likely benign for Cardiovascular phenotype. Last evaluated: 2020-07-23. Review status: criteria provided, single submitter. Criteria: Ambry Variant Classification Scheme 2023. Collection method: clinical testing. Allele origin: germline.

Blueprint Genetics
Classification: Likely benign. Last evaluated: 2019-11-15. Review status: criteria provided, single submitter. Criteria: ACMG Guidelines, 2015. Collection method: clinical testing. Allele origin: germline.

GeneDx
Classification: Likely benign. Last evaluated: 2017-09-08. Review status: criteria provided, single submitter. Criteria: GeneDx Variant Classification (06012015). Collection method: clinical testing. Allele origin: germline. Affected: yes.
Comment: This variant is considered likely benign or benign based on one or more of the following criteria: it is a conservative change, it occurs at a poorly conserved position in the protein, it is predicted to be benign by multiple in silico algorithms, and/or has population frequency not consistent with disease.

NM_001943.5(DSG2):c.55A>G (p.Asn19Asp)

Gene: DSG2 (desmoglein 2; plus strand). Cytogenetic location: 18q12.1.
Variant type: single nucleotide variant.
Coding change: c.55A>G on transcript NM_001943.5 (MANE Select); coding-DNA position 55, A replaced by G.
Protein change: p.Asn19Asp; replaces asparagine 19 with aspartic acid.
Molecular consequence: missense variant.
Genome position (GRCh38, 1-based): chr18:31,518,248, A>G. VCF-style: chr18-31518248-A-G. GRCh37 (hg19) VCF-style: chr18-29098211-A-G.
Other names: c.55A>G (LRG_397t1); short protein forms N19D.
Identifiers: ClinVar variation 511964 (VCV000511964.19), dbSNP rs185266383, ClinGen allele CA049389.